The following is an entry in ClinVar:

ClinVar aggregate classification (germline): Uncertain significance (1 of 4 stars; one submission).

Submission:

GeneDx
Classification: Uncertain significance. Last evaluated: 2025-02-26. Review status: criteria provided, single submitter. Criteria: GeneDx Variant Classification Process June 2021. Collection method: clinical testing. Allele origin: germline. Affected: yes.
Comment: Not observed at significant frequency in large population cohorts (gnomAD); In-frame deletion of 1 amino acid(s) in a non-repeat region; In silico analysis supports a deleterious effect on protein structure/function; Has not been previously published as pathogenic or benign to our knowledge

NM_001042492.3(NF1):c.5623_5625del (p.Asn1875del)

Gene: NF1 (neurofibromin 1; plus strand). Cytogenetic location: 17q11.2.
Variant type: Deletion.
Coding change: c.5623_5625del on transcript NM_001042492.3 (MANE Select); coding-DNA positions 5623 to 5625, 3 bases deleted (AAT; older notation c.5623_5625delAAT).
Protein change: p.Asn1875del; deletes asparagine 1875.
Molecular consequence: inframe deletion. On other transcripts: inframe indel (1).
Genome position (GRCh38, 1-based): chr17:31,330,309-31,330,311, AAT deleted; deleting any 3 consecutive bases within chr17:31,330,307-31,330,311 gives the same sequence; the c. name uses the placement nearest the transcript's 3' end. VCF-style (leftmost placement, unchanged base first): chr17-31330306-TATA-T. GRCh37 (hg19) VCF-style: chr17-29657324-TATA-T.
Other names: c.5560_5562delAAT, p.Asn1854del (NM_000267.3); c.5560_5562del, p.Asn1854del (NM_000267.4); short protein forms N1854del, N1875del.
Identifiers: ClinVar variation 4077221 (VCV004077221.1).